The following is an entry in ClinVar:

NM_020975.6(RET):c.3094G>T (p.Gly1032Cys)

Gene: RET (ret proto-oncogene; plus strand). Cytogenetic location: 10q11.21.
Variant type: single nucleotide variant.
Coding change: c.3094G>T on transcript NM_020975.6 (MANE Select); coding-DNA position 3094, G replaced by T.
Protein change: p.Gly1032Cys; replaces glycine 1032 with cysteine.
Molecular consequence: missense variant.
Genome position (GRCh38, 1-based): chr10:43,126,629, G>T. VCF-style: chr10-43126629-G-T. GRCh37 (hg19) VCF-style: chr10-43622077-G-T.
Other names: c.3094G>T, p.Gly1032Cys (NM_000323.2, NM_001406743.1, NM_001406744.1 and 4 more transcripts); c.2332G>T, p.Gly778Cys (NM_001355216.2); c.2965G>T, p.Gly989Cys (NM_001406761.1, NM_001406762.1, NM_001406764.1); c.2959G>T, p.Gly987Cys (NM_001406763.1, NM_001406765.1); c.2806G>T, p.Gly936Cys (NM_001406766.1, NM_001406767.1, NM_001406770.1); c.2368G>T, p.Gly790Cys (NM_001406777.1, NM_001406778.1, NM_001406775.1 and 1 more transcripts); c.2197G>T, p.Gly733Cys (NM_001406779.1, NM_001406780.1, NM_001406781.1 and 1 more transcripts); c.2068G>T, p.Gly690Cys (NM_001406783.1, NM_001406786.1); and 10 more; short protein forms G1032C, G778C, G549C, G690C, G702C, G857C, G900C, G989C.
Identifiers: ClinVar variation 1522704 (VCV001522704.10), dbSNP rs757373375, ClinGen allele CA376558380.
Genomic context (GRCh38, chr10:43,126,629, plus strand): 5'-TTCCAGGACTACTTGGACCTTGCGGCGTCCACTCCATCTGACTCCCTGATTTATGACGAC[G>T]GCCTCTCAGAGGAGGAGACACCGCTGGTGGACTGTAATAATGCCCCCCTCCCTCGAGCCC-3'
Protein context (NP_066124.1, residues 1022-1042): TPSDSLIYDD[Gly1032Cys]LSEEETPLVD

ClinVar aggregate classification (germline): Uncertain significance. Review status: criteria provided, multiple submitters, no conflicts (2 of 4 stars). 2 submissions from 2 submitters: Uncertain significance (2). Last evaluated 2024-02-05.

Conditions:
Multiple endocrine neoplasia, type 2 (MEN2). Identifiers: Orphanet 653, MedGen C4048306, MONDO:0019003. Disease mechanism: gain of function.
Hereditary cancer-predisposing syndrome. Also called: Hereditary neoplastic syndrome; Hereditary Cancer Syndrome; Tumor predisposition; Neoplastic Syndromes, Hereditary. Identifiers: Orphanet 140162, MedGen C0027672, MeSH D009386, MONDO:0015356.

Submissions (2):

Ambry Genetics
Classification: Uncertain significance for Hereditary cancer-predisposing syndrome. Last evaluated: 2024-02-05. Review status: criteria provided, single submitter. Criteria: Ambry Variant Classification Scheme 2023. Collection method: clinical testing. Allele origin: germline.
Comment: The p.G1032C variant (also known as c.3094G>T), located in coding exon 19 of the RET gene, results from a G to T substitution at nucleotide position 3094. The glycine at codon 1032 is replaced by cysteine, an amino acid with highly dissimilar properties. This amino acid position is conserved. In addition, the in silico prediction for this alteration is inconclusive. Based on the available evidence, the clinical significance of this alteration remains unclear.

Labcorp Genetics (formerly Invitae), Labcorp
Classification: Uncertain significance for Multiple endocrine neoplasia, type 2. Last evaluated: 2021-06-17. Review status: criteria provided, single submitter. Criteria: Invitae Variant Classification Sherloc (09022015). Collection method: clinical testing. Allele origin: germline.
Comment: In summary, the available evidence is currently insufficient to determine the role of this variant in disease. Therefore, it has been classified as a Variant of Uncertain Significance. Algorithms developed to predict the effect of missense changes on protein structure and function are either unavailable or do not agree on the potential impact of this missense change (SIFT: "Deleterious"; PolyPhen-2: "Probably Damaging"; Align-GVGD: "Class C0"). This variant has not been reported in the literature in individuals with RET-related conditions. This variant is not present in population databases (ExAC no frequency). This sequence change replaces glycine with cysteine at codon 1032 of the RET protein (p.Gly1032Cys). The glycine residue is moderately conserved and there is a large physicochemical difference between glycine and cysteine.